The following is an entry in ClinVar:

NM_001301071.2(DOK7):c.1752A>G (p.Arg584=)

Gene: DOK7 (docking protein 7; plus strand). Cytogenetic location: 4p16.3.
Variant type: single nucleotide variant.
Coding change: c.1752A>G on transcript NM_001301071.2; coding-DNA position 1752, A replaced by G.
Protein change: p.Arg584=; no amino-acid change (arginine 584 retained).
Molecular consequence: synonymous variant.
Genome position (GRCh38, 1-based): chr4:3,500,750, A>G. VCF-style: chr4-3500750-A-G. GRCh37 (hg19) VCF-style: chr4-3502477-A-G.
Other names: c.1320A>G, p.Arg440= (NM_001363811.2).
Identifiers: ClinVar variation 4997173 (VCV004997173.1).

ClinVar aggregate classification (germline): Likely benign (1 of 4 stars; one submission).

Conditions:
DOK7-related disorder. Also called: DOK7-related condition.

gnomAD v4.1: 1 of 1,534,932 alleles (0.000065%); highest among the groups gnomAD compares: East Asian, 0.0024%; no homozygotes.

Submission:

PreventionGenetics, part of Exact Sciences
Classification: Likely benign for DOK7-related condition. Last evaluated: 2025-02-08. Review status: criteria provided, single submitter. Criteria: ACMG Guidelines, 2015. Collection method: clinical testing. Allele origin: germline.
Comment: This variant is classified as likely benign based on ACMG/AMP sequence variant interpretation guidelines (Richards et al. 2015 PMID: 25741868, with internal and published modifications).